The following is an entry in ClinVar:

NM_016169.4(SUFU):c.341G>C (p.Ser114Thr)

Gene: SUFU (SUFU negative regulator of hedgehog signaling; plus strand). Cytogenetic location: 10q24.32.
Variant type: single nucleotide variant.
Coding change: c.341G>C on transcript NM_016169.4 (MANE Select); coding-DNA position 341, G replaced by C.
Protein change: p.Ser114Thr; replaces serine 114 with threonine.
Molecular consequence: missense variant.
Genome position (GRCh38, 1-based): chr10:102,549,993, G>C. VCF-style: chr10-102549993-G-C. GRCh37 (hg19) VCF-style: chr10-104309750-G-C.
Other names: c.341G>C, p.Ser114Thr (NM_001178133.2); short protein forms S114T.
Identifiers: ClinVar variation 3761304 (VCV003761304.2).
Genomic context (GRCh38, chr10:102,549,993, plus strand): 5'-AATTGAGCTTAAAACACTTGCTTTTTATGTCTTTCAGGTTTACAGGAACAGATGGACCTA[G>C]TGGTTTTGGCTTTGAGTTGACCTTTCGTCTGAAGAGAGAAACTGGGGAGTCTGCCCCACC-3'
Protein context (NP_057253.2, residues 104-124): VHEFTGTDGP[Ser114Thr]GFGFELTFRL

ClinVar aggregate classification (germline): Uncertain significance (1 of 4 stars; one submission).

Conditions:
Gorlin syndrome. Also called: Basal cell nevus syndrome; Nevoid Basal Cell Carcinoma Syndrome. Identifiers: Orphanet 377, MedGen C0004779, MONDO:0007187.
Medulloblastoma (MDB). Also called: MEDULLOBLASTOMA PREDISPOSITION SYNDROME; Medulloblastoma, somatic. Identifiers: Orphanet 616, MedGen C0025149, MeSH D008527, MONDO:0007959, OMIM 155255, HP:0002885.

Submission:

Labcorp Genetics (formerly Invitae), Labcorp
Classification: Uncertain significance for Gorlin syndrome; Medulloblastoma. Last evaluated: 2024-05-23. Review status: criteria provided, single submitter. Criteria: Invitae Variant Classification Sherloc (09022015). Collection method: clinical testing. Allele origin: germline.
Comment: This sequence change replaces serine, which is neutral and polar, with threonine, which is neutral and polar, at codon 114 of the SUFU protein (p.Ser114Thr). This variant is not present in population databases (gnomAD no frequency). This variant has not been reported in the literature in individuals affected with SUFU-related conditions. Advanced modeling of protein sequence and biophysical properties (such as structural, functional, and spatial information, amino acid conservation, physicochemical variation, residue mobility, and thermodynamic stability) performed at Invitae indicates that this missense variant is expected to disrupt SUFU protein function with a positive predictive value of 80%. In summary, the available evidence is currently insufficient to determine the role of this variant in disease. Therefore, it has been classified as a Variant of Uncertain Significance.